The following is an entry in ClinVar:

ClinVar aggregate classification (germline): Pathogenic (1 of 4 stars; one submission).

Conditions:
Alport syndrome. Also called: Hemorrhagic familial nephritis; Hemorrhagic hereditary nephritis; Congenital hereditary hematuria. Identifiers: Orphanet 63, MedGen C1567741, MONDO:0018965.

Submission:

Myriad Genetics, Inc.
Classification: Pathogenic for Alport syndrome. Last evaluated: 2023-08-21. Review status: criteria provided, single submitter. Criteria: Myriad Autosomal Dominant, Autosomal Recessive and X-Linked Classification Criteria (2023). Collection method: clinical testing. Allele origin: unknown.
Comment: NM_000091.4(COL4A3):c.1854_1855ins19(G619Ifs*33) is expected to be pathogenic in the context of Alport syndrome, COL4A3-related. This variant is predicted to lead to an abnormal or absent protein product due to the creation of a premature termination codon in COL4A3, a gene where loss-of-function variants are known to be pathogenic. Please note: this variant was assessed in the context of healthy population screening.

NM_000091.5(COL4A3):c.1854_1855insATCACAGATGTGTATAAGA (p.Gly619fs)

Genes: COL4A3 (collagen type IV alpha 3 chain; plus strand), MFF-DT (MFF divergent transcript; minus strand). Cytogenetic location: 2q36.3.
Variant type: Insertion.
Coding change: c.1854_1855insATCACAGATGTGTATAAGA on transcript NM_000091.5 (MANE Select); coding-DNA positions 1854 to 1855, ATCACAGATGTGTATAAGA inserted.
Protein change: p.Gly619fs; shifts the reading frame from glycine 619.
Molecular consequence: frameshift variant.
Genome position: GRCh38 VCF-style: chr2-227273044-C-CATCACAGATGTGTATAAGA. GRCh37 (hg19) VCF-style: chr2-228137760-C-CATCACAGATGTGTATAAGA.
Other names: short protein forms G619fs.
Identifiers: ClinVar variation 5011440 (VCV005011440.1).
Genomic context (GRCh38, chr2:227,273,044, plus strand): 5'-AGGGGATCCTGGCTCCCCTGGGTCCCCAGGACCTGCAGGACCAGCTGGACCACCTGGCTA[C>CATCACAGATGTGTATAAGA]GGACCCCAAGGAGAACCTGGTCTCCAGGGCACGCAAGGAGTTCCTGGAGCCCCCGGACCA-3'